The following is an entry in ClinVar:

ClinVar aggregate classification (germline): Uncertain significance (1 of 4 stars; one submission).

Conditions:
Catecholaminergic polymorphic ventricular tachycardia 1. Also called: VENTRICULAR TACHYCARDIA, CATECHOLAMINERGIC POLYMORPHIC, 1, WITH OR WITHOUT ATRIAL DYSFUNCTION AND/OR DILATED CARDIOMYOPATHY; VENTRICULAR TACHYCARDIA, STRESS-INDUCED POLYMORPHIC 1; RYR2-Related Catecholaminergic Polymorphic Ventricular Tachycardia. Identifiers: Orphanet 3286, MedGen C1631597, MONDO:0011484, OMIM 604772.

Submission:

Labcorp Genetics (formerly Invitae), Labcorp
Classification: Uncertain significance for Catecholaminergic polymorphic ventricular tachycardia 1. Last evaluated: 2024-01-02. Review status: criteria provided, single submitter. Criteria: Invitae Variant Classification Sherloc (09022015). Collection method: clinical testing. Allele origin: germline.
Comment: This sequence change replaces proline, which is neutral and non-polar, with leucine, which is neutral and non-polar, at codon 2873 of the RYR2 protein (p.Pro2873Leu). This variant is not present in population databases (gnomAD no frequency). This variant has not been reported in the literature in individuals affected with RYR2-related conditions. Advanced modeling of protein sequence and biophysical properties (such as structural, functional, and spatial information, amino acid conservation, physicochemical variation, residue mobility, and thermodynamic stability) performed at Invitae indicates that this missense variant is expected to disrupt RYR2 protein function with a positive predictive value of 95%. In summary, the available evidence is currently insufficient to determine the role of this variant in disease. Therefore, it has been classified as a Variant of Uncertain Significance.

NM_001035.3(RYR2):c.8618C>T (p.Pro2873Leu)

Gene: RYR2 (ryanodine receptor 2; plus strand). Cytogenetic location: 1q43.
Variant type: single nucleotide variant.
Coding change: c.8618C>T on transcript NM_001035.3 (MANE Select); coding-DNA position 8618, C replaced by T.
Protein change: p.Pro2873Leu; replaces proline 2873 with leucine.
Molecular consequence: missense variant.
Genome position (GRCh38, 1-based): chr1:237,674,123, C>T. VCF-style: chr1-237674123-C-T. GRCh37 (hg19) VCF-style: chr1-237837423-C-T.
Other names: short protein forms P2873L.
Identifiers: ClinVar variation 2707015 (VCV002707015.3), dbSNP rs1215208906, ClinGen allele CA345402962.